The following is an entry in ClinVar:

ClinVar aggregate classification (germline): Uncertain significance (1 of 4 stars; one submission).

Conditions:
Severe myoclonic epilepsy in infancy (DRVT). Also called: SEVERE MYOCLONIC EPILEPSY OF INFANCY; DEVELOPMENTAL AND EPILEPTIC ENCEPHALOPATHY 6A; Severe Myoclonic Epilepsy in Infancy (SMEI); Dravet syndrome; Epileptic encephalopathy, early infantile, 6 (Dravet syndrome). Identifiers: Orphanet 33069, MedGen C0751122, MONDO:0100135, OMIM 607208.

gnomAD v4.1: 1 of 1,600,732 alleles (0.000062%); highest among the groups gnomAD compares: Non-Finnish European, 0.000086%; no homozygotes.

Submission:

Lifecell International Pvt. Ltd
Classification: Uncertain significance for Severe myoclonic epilepsy in infancy. Review status: criteria provided, single submitter. Criteria: ACMG Guidelines, 2015. Collection method: case-control. Allele origin: germline. Inheritance: Autosomal dominant inheritance. Affected: yes.
Comment: A heterozygous missense variant (c.4570C>T) in exon 27 of the SCN1A gene that results in the amino acid substitution from Proline to Serine at codon 1524 (p.Pro1524Ser) was identified. There is a moderate physicochemical difference between Proline and Serine. The observed varian t is not present in both the 1000 Genomes and gnomAD databases. The reference base is conserved across the species and in-silico predictions by Polyphen and SIFT are damaging. The Missense Variants Z-Score for this variant is 5.61. Missense Variants Z-Score is produced by the Exome Aggregation Consortium (60,706 adult humans) by computing a signed Z score for the deviation of observed counts from the expected number. Positive Z scores indicate increased constraint (intoler ance to variation) and therefore that the gene had fewer missense variants than expected. (DOI: 10.1038/nature19057). Though the variant in the SCN1A gene could be significant, this is currently being classified as variant of uncertain significance due to lack of segregation analysis and supporting literature evidence. Reclassification of the variant shall be considered on the basis of availability of additional scientific information and segregation analysis.

NM_001165963.4(SCN1A):c.4570C>T (p.Pro1524Ser)

Genes: SCN1A (sodium voltage-gated channel alpha subunit 1; minus strand), LOC102724058 (uncharacterized LOC102724058; plus strand). Cytogenetic location: 2q24.3.
Variant type: single nucleotide variant.
Coding change: c.4570C>T on transcript NM_001165963.4 (MANE Select); coding-DNA position 4570, C replaced by T.
Protein change: p.Pro1524Ser; replaces proline 1524 with serine.
Molecular consequence: missense variant. On other transcripts: non-coding transcript variant (1).
Genome position (GRCh38, 1-based): chr2:165,996,024, G>A on the plus strand (C>T on the coding strand, the complement: SCN1A is on the minus strand). VCF-style: chr2-165996024-G-A. GRCh37 (hg19) VCF-style: chr2-166852534-G-A.
Other names: c.4486C>T, p.Pro1496Ser (NM_001165964.3, NM_001353957.2, NM_001353958.2); c.4570C>T, p.Pro1524Ser (NM_001202435.3, NM_001353948.2); c.4537C>T, p.Pro1513Ser (NM_001353949.2, NM_001353950.2, NM_001353951.2 and 2 more transcripts); c.4534C>T, p.Pro1512Ser (NM_001353954.2, NM_001353955.2); c.4483C>T, p.Pro1495Ser (NM_001353960.2); c.2128C>T, p.Pro710Ser (NM_001353961.2); short protein forms P1495S, P1496S, P1512S, P1513S, P1524S, P710S.
Identifiers: ClinVar variation 1174591 (VCV001174591.2), dbSNP rs143088184, ClinGen allele CA349048554.